The following is an entry in ClinVar:

ClinVar aggregate classification (germline): Benign. Review status: criteria provided, multiple submitters, no conflicts (2 of 4 stars). 3 submissions from 3 submitters: Benign (3). Last evaluated 2018-11-12.

Allele frequency attached by ClinVar (database versions not stated): 1000 Genomes Project 30x 0.08339; 1000 Genomes Project 0.08526; TOPMed 0.10484; gnomAD 0.10621 and 0.10753; ESP Exome Variant Server 0.11467; gnomAD exomes 0.11989 and 0.14230; ExAC 0.12254.
gnomAD v4.1: 223,647 of 1,611,204 alleles (14%); highest among the groups gnomAD compares: Middle Eastern, 16%; 16,603 homozygotes.

Submissions (3):

GeneDx
Classification: Benign. Last evaluated: 2018-11-12. Review status: criteria provided, single submitter. Criteria: GeneDx Variant Classification Process June 2021. Collection method: clinical testing. Allele origin: germline. Affected: yes.

Laboratory for Molecular Medicine, Mass General Brigham Personalized Medicine
Classification: Benign. Last evaluated: 2016-03-28. Review status: criteria provided, single submitter. Criteria: LMM Criteria. Collection method: clinical testing. Allele origin: germline.
Comment: Variant identified in a genome or exome case(s) and assessed due to predicted null impact of the variant or pathogenic assertions in the literature or databases. Disclaimer: This variant has not undergone full assessment. The following are preliminary notes: Frequency

Breakthrough Genomics
Classification: Benign. Review status: criteria provided, single submitter. Criteria: ACMG Guidelines, 2015. Collection method: not provided. Allele origin: germline. Inheritance: Autosomal dominant inheritance. Affected: yes.

NM_002458.3(MUC5B):c.6073G>A (p.Ala2025Thr)

Genes: MUC5B (mucin 5B, oligomeric mucus/gel-forming; plus strand), MUC5B-AS1 (MUC5B antisense RNA 1; minus strand). Cytogenetic location: 11p15.5.
Variant type: single nucleotide variant.
Coding change: c.6073G>A on transcript NM_002458.3 (MANE Select); coding-DNA position 6073, G replaced by A.
Protein change: p.Ala2025Thr; replaces alanine 2025 with threonine.
Molecular consequence: missense variant.
Genome position (GRCh38, 1-based): chr11:1,242,953, G>A. VCF-style: chr11-1242953-G-A. GRCh37 (hg19) VCF-style: chr11-1264183-G-A.
Other names: short protein forms A2025T.
Identifiers: ClinVar variation 403133 (VCV000403133.6), dbSNP rs34739266, ClinGen allele CA5805899.